The following is an entry in ClinVar:

NM_002471.4(MYH6):c.1087A>T (p.Met363Leu)

Gene: MYH6 (myosin heavy chain 6; minus strand). Cytogenetic location: 14q11.2.
Variant type: single nucleotide variant.
Coding change: c.1087A>T on transcript NM_002471.4 (MANE Select); coding-DNA position 1087, A replaced by T.
Protein change: p.Met363Leu; replaces methionine 363 with leucine.
Molecular consequence: missense variant.
Genome position (GRCh38, 1-based): chr14:23,402,518, T>A on the plus strand (A>T on the coding strand, the complement: MYH6 is on the minus strand). VCF-style: chr14-23402518-T-A. GRCh37 (hg19) VCF-style: chr14-23871727-T-A.
Other names: short protein forms M363L.
Identifiers: ClinVar variation 220731 (VCV000220731.17), dbSNP rs202196487, ClinGen allele CA348826.

ClinVar aggregate classification (germline): Likely benign. Review status: criteria provided, multiple submitters, no conflicts (2 of 4 stars). 4 submissions from 4 submitters: Likely benign (3). 1 of the submissions does not count toward it. Last evaluated 2024-04-08.

Conditions:
Cardiovascular phenotype. Identifiers: MedGen CN230736.
Hypertrophic cardiomyopathy 14. Identifiers: MedGen C2750467, MONDO:0013197, OMIM 613251.
MYH6-related disorder. Also called: MYH6-Related Disorders; MYH6-related condition.

Allele frequency attached by ClinVar (database versions not stated): gnomAD exomes 0.00004 and 0.00017; gnomAD 0.00005 and 0.00006; TOPMed 0.00005; 1000 Genomes Project 30x 0.00016; ExAC 0.00019; 1000 Genomes Project 0.00020.
gnomAD v4.1: 73 of 1,613,764 alleles (0.0045%); highest among the groups gnomAD compares: East Asian, 0.16%; no homozygotes.

Submissions (4):

Labcorp Genetics (formerly Invitae), Labcorp
Classification: Likely benign for Hypertrophic cardiomyopathy 14. Last evaluated: 2024-04-08. Review status: criteria provided, single submitter. Criteria: Invitae Variant Classification Sherloc (09022015). Collection method: clinical testing. Allele origin: germline.

Blueprint Genetics
Classification: Likely benign. Last evaluated: 2024-04-03. Review status: criteria provided, single submitter. Criteria: ACMG Guidelines, 2015. Collection method: clinical testing. Allele origin: germline.

Ambry Genetics
Classification: Likely benign for Cardiovascular phenotype. Last evaluated: 2022-07-19. Review status: criteria provided, single submitter. Criteria: Ambry Variant Classification Scheme 2023. Collection method: clinical testing. Allele origin: germline.

PreventionGenetics, part of Exact Sciences
Classification: Likely benign for MYH6-related condition. Last evaluated: 2021-03-16. Review status: no assertion criteria provided. Collection method: clinical testing. Allele origin: germline. Not counted in ClinVar's aggregate classification.
Comment: This variant is classified as likely benign based on ACMG/AMP sequence variant interpretation guidelines (Richards et al. 2015 PMID: 25741868, with internal and published modifications).

Literature cited by the submitters: PubMed 28498465 (cited by Ambry Genetics).